The following is an entry in ClinVar:

NM_174936.4(PCSK9):c.481A>G (p.Ile161Val)

Gene: PCSK9 (proprotein convertase subtilisin/kexin type 9; plus strand). Cytogenetic location: 1p32.3.
Variant type: single nucleotide variant.
Coding change: c.481A>G on transcript NM_174936.4 (MANE Select); coding-DNA position 481, A replaced by G.
Protein change: p.Ile161Val; replaces isoleucine 161 with valine.
Molecular consequence: missense variant.
Genome position (GRCh38, 1-based): chr1:55,046,604, A>G. VCF-style: chr1-55046604-A-G. GRCh37 (hg19) VCF-style: chr1-55512277-A-G.
Other names: short protein forms I161V.
Identifiers: ClinVar variation 920325 (VCV000920325.4), dbSNP rs1644636659, ClinGen allele CA340484775.

ClinVar aggregate classification (germline): Uncertain significance (1 of 4 stars; one submission).

Conditions:
Familial hypercholesterolemia. Also called: Familial hypercholesterolaemia. Identifiers: MedGen C0020445, MONDO:0005439.

Submission:

Color Diagnostics, LLC DBA Color Health
Classification: Uncertain significance for Familial hypercholesterolemia. Last evaluated: 2024-03-06. Review status: criteria provided, single submitter. Criteria: ACMG Guidelines, 2015. Collection method: clinical testing. Allele origin: germline.
Comment: This missense variant replaces isoleucine with valine at codon 161 of the PCSK9 protein. Computational prediction suggests that this variant may not impact protein structure and function (internally defined REVEL score threshold <= 0.5, PMID: 27666373). Splice site prediction tools suggest that this variant may not impact RNA splicing. To our knowledge, functional studies have not been performed for this variant. This variant has not been reported in individuals affected with familial hypercholesterolemia in the literature. This variant has not been identified in the general population by the Genome Aggregation Database (gnomAD). The available evidence is insufficient to determine the role of this variant in disease conclusively. Therefore, this variant is classified as a Variant of Uncertain Significance.